The following is an entry in ClinVar:

ClinVar aggregate classification (germline): Uncertain significance (1 of 4 stars; one submission).

Allele frequency attached by ClinVar (database versions not stated): ExAC 0.00001; gnomAD 0.00001; gnomAD exomes 0.00001; TOPMed 0.00002; ESP Exome Variant Server 0.00008.
gnomAD v4.1: 13 of 1,614,124 alleles (0.00081%); highest among the groups gnomAD compares: African/African-American, 0.0013%; no homozygotes.

Submission:

Labcorp Genetics (formerly Invitae), Labcorp
Classification: Uncertain significance. Last evaluated: 2023-11-13. Review status: criteria provided, single submitter. Criteria: Invitae Variant Classification Sherloc (09022015). Collection method: clinical testing. Allele origin: germline.
Comment: This sequence change replaces proline, which is neutral and non-polar, with leucine, which is neutral and non-polar, at codon 544 of the MCPH1 protein (p.Pro544Leu). This variant is present in population databases (rs370822605, gnomAD 0.007%). This variant has not been reported in the literature in individuals affected with MCPH1-related conditions. Advanced modeling of protein sequence and biophysical properties (such as structural, functional, and spatial information, amino acid conservation, physicochemical variation, residue mobility, and thermodynamic stability) performed at Invitae indicates that this missense variant is not expected to disrupt MCPH1 protein function with a negative predictive value of 80%. In summary, the available evidence is currently insufficient to determine the role of this variant in disease. Therefore, it has been classified as a Variant of Uncertain Significance.

NM_024596.5(MCPH1):c.1631C>T (p.Pro544Leu)

Gene: MCPH1 (microcephalin 1; plus strand). Cytogenetic location: 8p23.1.
Variant type: single nucleotide variant.
Coding change: c.1631C>T on transcript NM_024596.5 (MANE Select); coding-DNA position 1631, C replaced by T.
Protein change: p.Pro544Leu; replaces proline 544 with leucine.
Molecular consequence: missense variant. On other transcripts: non-coding transcript variant (1).
Genome position (GRCh38, 1-based): chr8:6,445,353, C>T. VCF-style: chr8-6445353-C-T. GRCh37 (hg19) VCF-style: chr8-6302874-C-T.
Other names: c.1631C>T, p.Pro544Leu (NM_001172574.2, NM_001322042.2, NM_001363979.1 and 3 more transcripts); c.1487C>T, p.Pro496Leu (NM_001172575.2); c.1625C>T, p.Pro542Leu (NM_001322043.2); c.1529C>T, p.Pro510Leu (NM_001322045.2); short protein forms P510L, P544L, P496L, P542L.
Identifiers: ClinVar variation 2996931 (VCV002996931.2), dbSNP rs370822605, ClinGen allele CA4610609.
Genomic context (GRCh38, chr8:6,445,353, plus strand): 5'-GCTTTTCTTACACCATTGAGGACCCTGCTCTTCCAAAAGGACATGATGATGATTTAACTC[C>T]TTTGGAAGGAAGCCTTGAAGAAATGAAAGAAGCGGTTGGTCTGAAAAGCACACAGAACAA-3'
Protein context (NP_078872.3, residues 534-554): LPKGHDDDLT[Pro544Leu]LEGSLEEMKE